The following is an entry in ClinVar:

ClinVar aggregate classification (germline): Uncertain significance. Review status: criteria provided, multiple submitters, no conflicts (2 of 4 stars). 5 submissions from 5 submitters: Uncertain significance (5). Last evaluated 2025-01-27.

Conditions:
BIN1-related disorder. Also called: BIN1-related condition.
Myopathy, centronuclear, 2 (CNM2). Also called: MYOTUBULAR MYOPATHY, AUTOSOMAL RECESSIVE. Identifiers: Orphanet 169186, MedGen CN031787, MONDO:0009709, OMIM 255200.
Inborn genetic diseases. Identifiers: MedGen C0950123, MeSH D030342.

Allele frequency attached by ClinVar (database versions not stated): gnomAD exomes 0.00004 and 0.00009; TOPMed 0.00004; gnomAD 0.00005 and 0.00006.
gnomAD v4.1: 136 of 1,551,638 alleles (0.0088%); highest among the groups gnomAD compares: Non-Finnish European, 0.011%; no homozygotes.

Submissions (5):

PreventionGenetics, part of Exact Sciences
Classification: Uncertain significance for BIN1-related condition. Last evaluated: 2025-01-27. Review status: criteria provided, single submitter. Criteria: ACMG Guidelines, 2015. Collection method: clinical testing. Allele origin: germline.
Comment: The BIN1 c.1196C>T variant is predicted to result in the amino acid substitution p.Pro399Leu. To our knowledge, this variant has not been reported in the literature. This variant is reported in 0.0079% of alleles in individuals of European (Non-Finnish) descent in gnomAD. At this time, the clinical significance of this variant is uncertain due to the absence of conclusive functional and genetic evidence.

Ambry Genetics
Classification: Uncertain significance for Inborn genetic diseases. Last evaluated: 2024-12-02. Review status: criteria provided, single submitter. Criteria: Ambry Variant Classification Scheme 2023. Collection method: clinical testing. Allele origin: germline.

Labcorp Genetics (formerly Invitae), Labcorp
Classification: Uncertain significance for Myopathy, centronuclear, 2. Last evaluated: 2024-10-07. Review status: criteria provided, single submitter. Criteria: Invitae Variant Classification Sherloc (09022015). Collection method: clinical testing. Allele origin: germline.
Comment: This sequence change replaces proline, which is neutral and non-polar, with leucine, which is neutral and non-polar, at codon 399 of the BIN1 protein (p.Pro399Leu). This variant is present in population databases (rs558530329, gnomAD 0.008%). This variant has not been reported in the literature in individuals affected with BIN1-related conditions. ClinVar contains an entry for this variant (Variation ID: 593407). An algorithm developed to predict the effect of missense changes on protein structure and function (PolyPhen-2) suggests that this variant is likely to be tolerated. In summary, the available evidence is currently insufficient to determine the role of this variant in disease. Therefore, it has been classified as a Variant of Uncertain Significance.

Revvity Omics, Revvity
Classification: Uncertain significance for Myopathy, centronuclear, 2. Last evaluated: 2019-05-23. Review status: criteria provided, single submitter. Criteria: ACMG Guidelines, 2015. Collection method: clinical testing. Allele origin: germline.

Eurofins Ntd Llc (ga)
Classification: Uncertain significance. Last evaluated: 2017-08-08. Review status: criteria provided, single submitter. Criteria: EGL Classification Definitions 2015. Collection method: clinical testing. Allele origin: germline. Observed: 1 variant allele, 1 heterozygote.

NM_139343.3(BIN1):c.1196C>T (p.Pro399Leu)

Gene: BIN1 (bridging integrator 1; minus strand). Cytogenetic location: 2q14.3.
Variant type: single nucleotide variant.
Coding change: c.1196C>T on transcript NM_139343.3 (MANE Select); coding-DNA position 1196, C replaced by T.
Protein change: p.Pro399Leu; replaces proline 399 with leucine.
Molecular consequence: missense variant. On other transcripts: intron variant (12).
Genome position (GRCh38, 1-based): chr2:127,053,948, G>A on the plus strand (C>T on the coding strand, the complement: BIN1 is on the minus strand). VCF-style: chr2-127053948-G-A. GRCh37 (hg19) VCF-style: chr2-127811524-G-A.
Other names: c.1103C>T, p.Pro368Leu (NM_001320641.2); c.1115C>T, p.Pro372Leu (NM_001320642.1); c.1067C>T, p.Pro356Leu (NM_139344.3); c.838-3036C>T (NM_001320634.1); c.910-3036C>T (NM_139351.3); c.910-2705C>T (NM_139350.3); c.910-1586C>T (NM_139349.3); c.1039-2705C>T (NM_139348.3); and 8 more; short protein forms P399L, P356L, P368L, P372L.
Identifiers: ClinVar variation 593407 (VCV000593407.17), dbSNP rs558530329, ClinGen allele CA55340344.
Genomic context (GRCh38, chr2:127,053,948, plus strand): 5'-TGGTGGGCACAACCAACCTGACCAGAGGGCGTGGGTGCCTTCACAGGGCTCGTCACGGGC[G>A]GGAGGGGGTCAAAGTCCAGGTCCAGCAGACTGGCCTGCTCCGAGAAAGGCCCCGGGGCCT-3'
Protein context (NP_647593.1, residues 389-409): SLLDLDFDPL[Pro399Leu]PVTSPVKAPT